The following is an entry in ClinVar:

ClinVar aggregate classification (germline): Uncertain significance (1 of 4 stars; one submission).

Conditions:
Rhabdoid tumor predisposition syndrome 2 (RTPS2). Identifiers: Orphanet 231108, Orphanet 69077, MedGen C2750074, MONDO:0013224, OMIM 613325.

Submission:

Labcorp Genetics (formerly Invitae), Labcorp
Classification: Uncertain significance for Rhabdoid tumor predisposition syndrome 2. Last evaluated: 2025-12-26. Review status: criteria provided, single submitter. Criteria: Invitae Variant Classification Sherloc (09022015). Collection method: clinical testing. Allele origin: germline.
Comment: This sequence change replaces alanine, which is neutral and non-polar, with aspartic acid, which is acidic and polar, at codon 161 of the SMARCA4 protein (p.Ala161Asp). This variant is not present in population databases (gnomAD no frequency). This variant has not been reported in the literature in individuals affected with SMARCA4-related conditions. Invitae Evidence Modeling of protein sequence and biophysical properties (such as structural, functional, and spatial information, amino acid conservation, physicochemical variation, residue mobility, and thermodynamic stability) indicates that this missense variant is not expected to disrupt SMARCA4 protein function with a negative predictive value of 95%. In summary, the available evidence is currently insufficient to determine the role of this variant in disease. Therefore, it has been classified as a Variant of Uncertain Significance.

NM_003072.5(SMARCA4):c.482C>A (p.Ala161Asp)

Gene: SMARCA4 (SWI/SNF related BAF chromatin remodeling complex subunit ATPase 4; plus strand). Cytogenetic location: 19p13.2.
Variant type: single nucleotide variant.
Coding change: c.482C>A on transcript NM_003072.5 (MANE Select); coding-DNA position 482, C replaced by A.
Protein change: p.Ala161Asp; replaces alanine 161 with aspartic acid.
Molecular consequence: missense variant. On other transcripts: non-coding transcript variant (1).
Genome position (GRCh38, 1-based): chr19:10,986,315, C>A. VCF-style: chr19-10986315-C-A. GRCh37 (hg19) VCF-style: chr19-11096991-C-A.
Other names: c.482C>A, p.Ala161Asp (NM_001128844.3, NM_001128845.2, NM_001128846.2 and 6 more transcripts); short protein forms A161D.
Identifiers: ClinVar variation 4802535 (VCV004802535.1).